The following is an entry in ClinVar:

NM_000092.5(COL4A4):c.2629_2664dup (p.Gly888_Ile889insArgProGlyAlaHisGlyProProGlyLeuProGly)

Gene: COL4A4 (collagen type IV alpha 4 chain; minus strand). Cytogenetic location: 2q36.3.
Variant type: Duplication.
Coding change: c.2629_2664dup on transcript NM_000092.5 (MANE Select); coding-DNA positions 2629 to 2664, 36 bases duplicated.
Protein change: p.Gly888_Ile889insArgProGlyAlaHisGlyProProGlyLeuProGly.
Molecular consequence: inframe insertion.
Genome position (GRCh38, 1-based): chr2:227,055,997-227,056,032, 36 bases duplicated; duplicating any 36 consecutive bases within chr2:227,055,997-227,056,041 gives the same sequence; the c. name uses the placement nearest the transcript's 3' end. GRCh37 (hg19): chr2:227,920,722-227,920,757.
Identifiers: ClinVar variation 2880643 (VCV002880643.3), dbSNP rs2150234491, ClinGen allele CA2739278761.

ClinVar aggregate classification (germline): Uncertain significance (1 of 4 stars; one submission).

Submission:

Labcorp Genetics (formerly Invitae), Labcorp
Classification: Uncertain significance. Last evaluated: 2023-03-27. Review status: criteria provided, single submitter. Criteria: Invitae Variant Classification Sherloc (09022015). Collection method: clinical testing. Allele origin: germline.
Comment: This variant, c.2629_2664dup, results in the insertion of 12 amino acid(s) of the COL4A4 protein (p.Arg877_Gly888dup), but otherwise preserves the integrity of the reading frame. This variant is not present in population databases (gnomAD no frequency). This variant has not been reported in the literature in individuals affected with COL4A4-related conditions. In summary, the available evidence is currently insufficient to determine the role of this variant in disease. Therefore, it has been classified as a Variant of Uncertain Significance.